The following is an entry in ClinVar:

ClinVar aggregate classification (germline): Uncertain significance (1 of 4 stars; one submission).

Conditions:
Epileptic encephalopathy. Identifiers: MedGen C0543888, HP:0200134.

gnomAD v4.1: 2 of 1,613,920 alleles (0.00012%); highest among the groups gnomAD compares: East Asian, 0.0022%; no homozygotes.

Submission:

Labcorp Genetics (formerly Invitae), Labcorp
Classification: Uncertain significance for Epileptic encephalopathy. Last evaluated: 2019-05-04. Review status: criteria provided, single submitter. Criteria: Invitae Variant Classification Sherloc (09022015). Collection method: clinical testing. Allele origin: germline.
Comment: In summary, the available evidence is currently insufficient to determine the role of this variant in disease. Therefore, it has been classified as a Variant of Uncertain Significance. Algorithms developed to predict the effect of missense changes on protein structure and function are either unavailable or do not agree on the potential impact of this missense change (SIFT: "Tolerated"; PolyPhen-2: "Possibly Damaging"; Align-GVGD: "Class C0"). This variant has not been reported in the literature in individuals with RYR3-related disease. This variant is not present in population databases (ExAC no frequency). This sequence change replaces valine with leucine at codon 1407 of the RYR3 protein (p.Val1407Leu). The valine residue is highly conserved and there is a small physicochemical difference between valine and leucine.

NM_001036.6(RYR3):c.4219G>T (p.Val1407Leu)

Gene: RYR3 (ryanodine receptor 3; plus strand). Cytogenetic location: 15q14.
Variant type: single nucleotide variant.
Coding change: c.4219G>T on transcript NM_001036.6 (MANE Select); coding-DNA position 4219, G replaced by T.
Protein change: p.Val1407Leu; replaces valine 1407 with leucine.
Molecular consequence: missense variant.
Genome position (GRCh38, 1-based): chr15:33,652,794, G>T. VCF-style: chr15-33652794-G-T. GRCh37 (hg19) VCF-style: chr15-33944995-G-T.
Other names: c.4219G>T, p.Val1407Leu (NM_001243996.4); short protein forms V1407L.
Identifiers: ClinVar variation 573614 (VCV000573614.10), dbSNP rs1430659504, ClinGen allele CA391578865.